The following is an entry in ClinVar:

NM_013450.4(BAZ2B):c.4213+1G>A

Gene: BAZ2B (bromodomain adjacent to zinc finger domain 2B; minus strand). Cytogenetic location: 2q24.2.
Variant type: single nucleotide variant.
Coding change: c.4213+1G>A on transcript NM_013450.4 (MANE Select); the canonical splice donor site of the intron after coding-DNA position 4213, G replaced by A.
Molecular consequence: splice donor variant.
Genome position (GRCh38, 1-based): chr2:159,373,044, C>T on the plus strand (G>A on the coding strand, the complement: BAZ2B is on the minus strand). VCF-style: chr2-159373044-C-T. GRCh37 (hg19) VCF-style: chr2-160229555-C-T.
Other names: c.4105+1G>A (NM_001289975.1); c.4051+1G>A (NM_001329857.2); c.4138+1G>A (NM_001329858.2).
Identifiers: ClinVar variation 1805496 (VCV001805496.2), dbSNP rs2061024668, ClinGen allele CA348931936.

ClinVar aggregate classification (germline): Uncertain significance (1 of 4 stars; one submission).

Conditions:
Neurodevelopmental disorder. Identifiers: MedGen C1535926, MeSH D065886, MONDO:0700092.

Allele frequency attached by ClinVar (database versions not stated): TOPMed below 0.00001.

Submission:

Victorian Clinical Genetics Services, Murdoch Childrens Research Institute
Classification: Uncertain significance for Neurodevelopmental disorder. Last evaluated: 2024-10-09. Review status: criteria provided, single submitter. Criteria: ACMG Guidelines, 2015. Collection method: clinical testing. Allele origin: germline. Inheritance: Autosomal dominant inheritance. Affected: yes.
Comment: Based on the classification scheme VCGS_Germline_v1.3.4, this variant is classified as VUS-3A. Following criteria are met: 0105 - The mechanism of disease for this gene is not clearly established. However haploinsufficiency has been suggested (PMID: 31999386, 37872713). (I) 0107 - This gene is associated with autosomal dominant disease (PMID: 31999386). (I) 0112 - The condition associated with this gene has incomplete penetrance. There are several loss of function variants in this gene present in gnomAD and there are reports of variants being inherited from mildly affected or asymptomatic parents, so it has been suggested that this gene has incomplete penetrance (PMID: 37872713). (I) 0211 - Canonical splice site variant without proven consequence on splicing (no functional evidence available). (SP) 0251 - This variant is heterozygous. (I) 0301 - Variant is absent from gnomAD (both v2 and v3). (SP) 0505 - Abnormal splicing is predicted by in silico tools and affected nucleotide is highly conserved. (SP) 0705 - No comparable canonical splice variants have previous evidence for pathogenicity. (I) 0807 - This variant has no previous evidence of pathogenicity. (I) 0905 - No published segregation evidence has been identified for this variant. (I) 1007 - No published functional evidence has been identified for this variant. (I) Legend: (SP) - Supporting pathogenic, (I) - Information, (SB) - Supporting benign

Literature cited by the submitters: PubMed 31999386; PubMed 37872713.